The following is an entry in ClinVar:

ClinVar aggregate classification (germline): Conflicting classifications of pathogenicity. Review status: criteria provided, conflicting classifications (1 of 4 stars). 5 submissions from 5 submitters: Uncertain significance (2); Likely benign (3). Last evaluated 2025-06-15.

Conditions:
Cardiovascular phenotype. Identifiers: MedGen CN230736.
Cardiomyopathy (CMYO). Also called: Cardiomyopathies. Identifiers: Orphanet 167848, MedGen C0878544, MONDO:0004994, HP:0001638. Inheritance: Various modes of inheritance.
Arrhythmogenic cardiomyopathy with wooly hair and keratoderma. Also called: Carvajal syndrome; Dilated cardiomyopathy with woolly hair and keratoderma; Arrhythmogenic cardiomyopathy with woolly hair and keratoderma; PALMOPLANTAR KERATODERMA WITH LEFT VENTRICULAR CARDIOMYOPATHY AND WOOLLY HAIR. Identifiers: Orphanet 65282, MedGen C1854063, MONDO:0011581, OMIM 605676.
Arrhythmogenic right ventricular dysplasia 8 (ARVD8). Also called: Arrhythmogenic Right Ventricular Dysplasia/Cardiomyopathy 8; ARRHYTHMOGENIC RIGHT VENTRICULAR CARDIOMYOPATHY 8; ARRHYTHMOGENIC RIGHT VENTRICULAR DYSPLASIA, FAMILIAL, 8. Identifiers: MedGen C1843896, MONDO:0011831, OMIM 607450.

Allele frequency attached by ClinVar (database versions not stated): gnomAD exomes below 0.00001 and 0.00002; gnomAD 0.00001; TOPMed 0.00002.
gnomAD v4.1: 36 of 1,613,300 alleles (0.0022%); highest among the groups gnomAD compares: Non-Finnish European, 0.003%; no homozygotes.

Submissions (5):

Labcorp Genetics (formerly Invitae), Labcorp
Classification: Uncertain significance for Arrhythmogenic cardiomyopathy with wooly hair and keratoderma; Arrhythmogenic right ventricular dysplasia 8. Last evaluated: 2025-06-15. Review status: criteria provided, single submitter. Criteria: Invitae Variant Classification Sherloc (09022015). Collection method: clinical testing. Allele origin: germline.
Comment: This sequence change falls in intron 2 of the DSP gene. It does not directly change the encoded amino acid sequence of the DSP protein. It affects a nucleotide within the consensus splice site. The frequency data for this variant in the population databases is considered unreliable, as metrics indicate poor data quality at this position in the gnomAD database. This variant has been observed in individual(s) with clinical features of DSP-related conditions (PMID: 34352074). ClinVar contains an entry for this variant (Variation ID: 199848). Variants that disrupt the consensus splice site are a relatively common cause of aberrant splicing (PMID: 17576681, 9536098). Algorithms developed to predict the effect of sequence changes on RNA splicing suggest that this variant is not likely to affect RNA splicing. In summary, the available evidence is currently insufficient to determine the role of this variant in disease. Therefore, it has been classified as a Variant of Uncertain Significance.

All of Us Research Program, National Institutes of Health
Classification: Likely benign for Arrhythmogenic cardiomyopathy with wooly hair and keratoderma. Last evaluated: 2024-07-29. Review status: criteria provided, single submitter. Criteria: ACMG Guidelines, 2015. Collection method: clinical testing. Allele origin: germline. Inheritance: Autosomal dominant inheritance. Observed: 4 variant alleles, 4 heterozygotes.
Comment: This study involves interpretation of variants in research participants for the purpose of population health screening. Participant phenotype was not available at the time of variant classification. Additional details can be found in publication PMID: 35346344, PMCID: PMC8962531

Ambry Genetics
Classification: Uncertain significance for Cardiovascular phenotype. Last evaluated: 2023-10-12. Review status: criteria provided, single submitter. Criteria: Ambry Variant Classification Scheme 2023. Collection method: clinical testing. Allele origin: germline.
Comment: The c.273+3A>G intronic variant results from an A to G substitution 3 nucleotides after coding exon 2 in the DSP gene. This nucleotide position is poorly conserved in available vertebrate species. In silico splice site analysis predicts that this alteration will not have any significant effect on splicing. Since supporting evidence is limited at this time, the clinical significance of this alteration remains unclear.

GeneDx
Classification: Likely benign. Last evaluated: 2022-05-09. Review status: criteria provided, single submitter. Criteria: GeneDx Variant Classification Process June 2021. Collection method: clinical testing. Allele origin: germline. Affected: yes.
Comment: See Variant Classification Assertion Criteria.

Color Diagnostics, LLC DBA Color Health
Classification: Likely benign for Cardiomyopathy. Last evaluated: 2019-11-13. Review status: criteria provided, single submitter. Criteria: ACMG Guidelines, 2015. Collection method: clinical testing. Allele origin: germline.

Literature cited by the submitters: PubMed 34352074 (cited by Labcorp Genetics (formerly Invitae), Labcorp); PubMed 17576681 (cited by Labcorp Genetics (formerly Invitae), Labcorp); PubMed 9536098 (cited by Labcorp Genetics (formerly Invitae), Labcorp).

NM_004415.4(DSP):c.273+3A>G

Gene: DSP (desmoplakin; plus strand). Cytogenetic location: 6p24.3.
Variant type: single nucleotide variant.
Coding change: c.273+3A>G on transcript NM_004415.4 (MANE Select); 3 bases into the intron after coding-DNA position 273, A replaced by G.
Molecular consequence: intron variant.
Genome position (GRCh38, 1-based): chr6:7,555,823, A>G. VCF-style: chr6-7555823-A-G. GRCh37 (hg19) VCF-style: chr6-7556056-A-G.
Other names: c.273+3A>G (LRG_423t1, NM_001319034.2, NM_001008844.3).
Identifiers: ClinVar variation 199848 (VCV000199848.14), dbSNP rs794728107, ClinGen allele CA005536.